The following is an entry in ClinVar:

NM_001365951.3(KIF1B):c.4336T>A (p.Leu1446Ile)

Gene: KIF1B (kinesin family member 1B; plus strand). Cytogenetic location: 1p36.22.
Variant type: single nucleotide variant.
Coding change: c.4336T>A on transcript NM_001365951.3 (MANE Select); coding-DNA position 4336, T replaced by A.
Protein change: p.Leu1446Ile; replaces leucine 1446 with isoleucine.
Molecular consequence: missense variant.
Genome position (GRCh38, 1-based): chr1:10,363,314, T>A. VCF-style: chr1-10363314-T-A. GRCh37 (hg19) VCF-style: chr1-10423372-T-A.
Other names: c.4336T>A, p.Leu1446Ile (NM_001365952.1); c.4198T>A, p.Leu1400Ile (NM_015074.3); short protein forms L1400I, L1446I.
Identifiers: ClinVar variation 3768609 (VCV003768609.2).

ClinVar aggregate classification (germline): Uncertain significance. Review status: criteria provided, multiple submitters, no conflicts (2 of 4 stars). 2 submissions from 2 submitters: Uncertain significance (2). Last evaluated 2025-03-10.

Submissions (2):

Ambry Genetics
Classification: Uncertain significance. Last evaluated: 2025-03-10. Review status: criteria provided, single submitter. Criteria: Ambry Variant Classification Scheme 2023. Collection method: clinical testing. Allele origin: germline.
Comment: The p.L1400I variant (also known as c.4198T>A), located in coding exon 38 of the KIF1B gene, results from a T to A substitution at nucleotide position 4198. The leucine at codon 1400 is replaced by isoleucine, an amino acid with highly similar properties. This amino acid position is conserved. In addition, the in silico prediction for this alteration is inconclusive. Based on the available evidence, the clinical significance of this variant remains unclear.

Women's Health and Genetics/Laboratory Corporation of America, LabCorp
Classification: Uncertain significance. Last evaluated: 2025-02-11. Review status: criteria provided, single submitter. Criteria: LabCorp Variant Classification Summary - May 2015. Collection method: clinical testing. Allele origin: germline.
Comment: Variant summary: KIF1B c.4198T>A (p.Leu1400Ile) results in a conservative amino acid change in the encoded protein sequence. Three of five in-silico tools predict a damaging effect of the variant on protein function. The variant was absent in 251478 control chromosomes (gnomAD). The available data on variant occurrences in the general population are insufficient to allow any conclusion about variant significance. To our knowledge, no occurrence of c.4198T>A in individuals affected with Charcot-Marie-Tooth disease type 2A1 and no experimental evidence demonstrating its impact on protein function have been reported. No submitters have cited clinical-significance assessments for this variant to ClinVar. Based on the evidence outlined above, the variant was classified as uncertain significance.